The following is an entry in ClinVar:

NM_025077.4(TOE1):c.911C>T (p.Ser304Leu)

Gene: TOE1 (target of EGR1, exonuclease; plus strand). Cytogenetic location: 1p34.1.
Variant type: single nucleotide variant.
Coding change: c.911C>T on transcript NM_025077.4 (MANE Select); coding-DNA position 911, C replaced by T.
Protein change: p.Ser304Leu; replaces serine 304 with leucine.
Molecular consequence: missense variant.
Genome position (GRCh38, 1-based): chr1:45,343,001, C>T. VCF-style: chr1-45343001-C-T. GRCh37 (hg19) VCF-style: chr1-45808673-C-T.
Other names: short protein forms S304L.
Identifiers: ClinVar variation 1683722 (VCV001683722.2), dbSNP rs562110457, ClinGen allele CA21852140.

ClinVar aggregate classification (germline): Uncertain significance (1 of 4 stars; one submission).

Conditions:
Pontocerebellar hypoplasia type 7. Identifiers: Orphanet 284339, MedGen C3554226, MONDO:0013993, OMIM 614969.

Allele frequency attached by ClinVar (database versions not stated): TOPMed below 0.00001; gnomAD exomes 0.00001.
gnomAD v4.1: 9 of 1,613,834 alleles (0.00056%); highest among the groups gnomAD compares: South Asian, 0.0011%; no homozygotes.

Submission:

Laboratorio de Genetica e Diagnostico Molecular, Hospital Israelita Albert Einstein
Classification: Uncertain significance for Pontocerebellar hypoplasia type 7. Last evaluated: 2021-08-24. Review status: criteria provided, single submitter. Criteria: ACMG Guidelines, 2015. Collection method: clinical testing. Allele origin: germline. Affected: yes.
Comment: ACMG classification criteria: PM2, PP1, BP4